The following is an entry in ClinVar:

NM_000843.4(GRM6):c.261C>T (p.Pro87=)

Gene: GRM6 (glutamate metabotropic receptor 6; minus strand). Cytogenetic location: 5q35.3.
Variant type: single nucleotide variant.
Coding change: c.261C>T on transcript NM_000843.4 (MANE Select); coding-DNA position 261, C replaced by T.
Protein change: p.Pro87=; no amino-acid change (proline 87 retained).
Molecular consequence: synonymous variant.
Genome position (GRCh38, 1-based): chr5:178,994,684, G>A on the plus strand (C>T on the coding strand, the complement: GRM6 is on the minus strand). VCF-style: chr5-178994684-G-A. GRCh37 (hg19) VCF-style: chr5-178421685-G-A.
Identifiers: ClinVar variation 99649 (VCV000099649.11), dbSNP rs62638199, ClinGen allele CA227680.

ClinVar aggregate classification (germline): Likely benign. Review status: criteria provided, multiple submitters, no conflicts (2 of 4 stars). 4 submissions from 4 submitters: Likely benign (3). 1 of the submissions does not count toward it. Last evaluated 2026-04-21.

Conditions:
GRM6-related disorder. Also called: GRM6-related condition.

Allele frequency attached by ClinVar (database versions not stated): gnomAD exomes 0.00019; TOPMed 0.00026; gnomAD 0.00032; ExAC 0.00046.
gnomAD v4.1: 257 of 1,469,934 alleles (0.017%); highest among the groups gnomAD compares: Non-Finnish European, 0.018%; no homozygotes.

Submissions (4):

PreventionGenetics, part of Exact Sciences
Classification: Likely benign for GRM6-related condition. Last evaluated: 2026-04-21. Review status: criteria provided, single submitter. Criteria: ACMG Guidelines, 2015. Collection method: clinical testing. Allele origin: germline.
Comment: This variant is classified as likely benign based on ACMG/AMP sequence variant interpretation guidelines (Richards et al. 2015 PMID: 25741868, with internal and published modifications).

Labcorp Genetics (formerly Invitae), Labcorp
Classification: Likely benign. Last evaluated: 2025-08-03. Review status: criteria provided, single submitter. Criteria: Invitae Variant Classification Sherloc (09022015). Collection method: clinical testing. Allele origin: germline.

Blueprint Genetics
Classification: Likely benign. Last evaluated: 2024-11-04. Review status: criteria provided, single submitter. Criteria: ACMG Guidelines, 2015. Collection method: clinical testing. Allele origin: germline.

Retina International
No classification provided. Review status: no classification provided. Collection method: not provided. Allele origin: not provided. Not counted in ClinVar's aggregate classification.